The following is an entry in ClinVar:

ClinVar aggregate classification (germline): Uncertain significance (1 of 4 stars; one submission).

Conditions:
Dilated cardiomyopathy 1DD (CMD1DD). Identifiers: Orphanet 154, MedGen C2750995, MONDO:0013168, OMIM 613172.

Submission:

Labcorp Genetics (formerly Invitae), Labcorp
Classification: Uncertain significance for Dilated cardiomyopathy 1DD. Last evaluated: 2022-12-02. Review status: criteria provided, single submitter. Criteria: Invitae Variant Classification Sherloc (09022015). Collection method: clinical testing. Allele origin: germline.
Comment: In summary, the available evidence is currently insufficient to determine the role of this variant in disease. Therefore, it has been classified as a Variant of Uncertain Significance. Advanced modeling of protein sequence and biophysical properties (such as structural, functional, and spatial information, amino acid conservation, physicochemical variation, residue mobility, and thermodynamic stability) performed at Invitae indicates that this missense variant is not expected to disrupt RBM20 protein function. ClinVar contains an entry for this variant (Variation ID: 1485220). This variant has not been reported in the literature in individuals affected with RBM20-related conditions. This variant is not present in population databases (gnomAD no frequency). This sequence change replaces aspartic acid, which is acidic and polar, with glutamic acid, which is acidic and polar, at codon 351 of the RBM20 protein (p.Asp351Glu).

NM_001134363.3(RBM20):c.1053C>A (p.Asp351Glu)

Gene: RBM20 (RNA binding motif protein 20; plus strand). Cytogenetic location: 10q25.2.
Variant type: single nucleotide variant.
Coding change: c.1053C>A on transcript NM_001134363.3 (MANE Select); coding-DNA position 1053, C replaced by A.
Protein change: p.Asp351Glu; replaces aspartic acid 351 with glutamic acid.
Molecular consequence: missense variant.
Genome position (GRCh38, 1-based): chr10:110,781,662, C>A. VCF-style: chr10-110781662-C-A. GRCh37 (hg19) VCF-style: chr10-112541420-C-A.
Other names: short protein forms D351E.
Identifiers: ClinVar variation 1485220 (VCV001485220.8), dbSNP rs192232825, ClinGen allele CA378385456.